The following is an entry in ClinVar:

ClinVar aggregate classification (germline): Uncertain significance (1 of 4 stars; one submission).

Conditions:
Hereditary cancer-predisposing syndrome. Also called: Tumor predisposition; Neoplastic Syndromes, Hereditary; Hereditary neoplastic syndrome; Hereditary Cancer Syndrome. Identifiers: Orphanet 140162, MedGen C0027672, MeSH D009386, MONDO:0015356.

Submission:

Ambry Genetics
Classification: Uncertain significance for Hereditary cancer-predisposing syndrome. Last evaluated: 2024-10-20. Review status: criteria provided, single submitter. Criteria: Ambry Variant Classification Scheme 2023. Collection method: clinical testing. Allele origin: germline.
Comment: The p.R6T variant (also known as c.17G>C), located in coding exon 1 of the SDHD gene, results from a G to C substitution at nucleotide position 17. The arginine at codon 6 is replaced by threonine, an amino acid with similar properties. This amino acid position is conserved. In addition, this alteration is predicted to be deleterious by in silico analysis. Based on the available evidence, the clinical significance of this variant remains unclear.

NM_003002.4(SDHD):c.17G>C (p.Arg6Thr)

Genes: SDHD (succinate dehydrogenase complex subunit D; plus strand), LOC126861339 (BRD4-independent group 4 enhancer GRCh37_chr11:111957035-111958234; plus strand). Cytogenetic location: 11q23.1.
Variant type: single nucleotide variant.
Coding change: c.17G>C on transcript NM_003002.4 (MANE Select); coding-DNA position 17, G replaced by C.
Protein change: p.Arg6Thr; replaces arginine 6 with threonine.
Molecular consequence: missense variant. On other transcripts: non-coding transcript variant (1).
Genome position (GRCh38, 1-based): chr11:112,086,924, G>C. VCF-style: chr11-112086924-G-C. GRCh37 (hg19) VCF-style: chr11-111957648-G-C.
Other names: c.17G>C, p.Arg6Thr (NM_001276503.2, NM_001276504.2, NM_001276506.2); short protein forms R6T.
Identifiers: ClinVar variation 3438792 (VCV003438792.1).